The following is an entry in ClinVar:

ClinVar aggregate classification (germline): Pathogenic. Review status: criteria provided, multiple submitters, no conflicts (2 of 4 stars). 3 submissions from 3 submitters: Pathogenic (3). Last evaluated 2026-01-15.

Conditions:
ITGB2-related disorder. Also called: ITGB2-related condition.
Leukocyte adhesion deficiency 1 (LAD1). Also called: LEUKOCYTE ADHESION DEFICIENCY, TYPE I; LAD 1; Lymphocyte function-associated antigen 1 immunodeficiency; LFA 1 immunodeficiency. Identifiers: Orphanet 2968, Orphanet 99842, MedGen C0398738, MONDO:0007293, OMIM 116920.

Allele frequency attached by ClinVar (database versions not stated): TOPMed 0.00006.
gnomAD v4.1: 8 of 1,613,360 alleles (0.0005%); highest among the groups gnomAD compares: Admixed American, 0.012%; no homozygotes.

Submissions (3):

PreventionGenetics, part of Exact Sciences
Classification: Pathogenic for ITGB2-related condition. Last evaluated: 2026-01-15. Review status: criteria provided, single submitter. Criteria: ACMG Guidelines, 2015. Collection method: clinical testing. Allele origin: germline.
Comment: The ITGB2 c.1602C>A variant is predicted to result in premature protein termination (p.Cys534*). This variant has been reported in the homozygous state and in the compound heterozygous state with a second ITGB2 variant in two unrelated individuals with severe leukocyte adhesion deficiency (Lopez Rodriguez et al. 1993. PubMed ID: 7901025; Roos et al. 2002. PubMed ID: 11882363). RT-PCR and Western blot analysis have shown this variant results in a loss of mRNA and protein expression (Lopez Rodriguez et al. 1993. PubMed ID: 7901025; Roos et al. 2002. PubMed ID: 11882363). This variant is reported in 0.017% of alleles in individuals of Latino descent in gnomAD. Nonsense variants in ITGB2 are expected to be pathogenic. This variant is interpreted as pathogenic.

Labcorp Genetics (formerly Invitae), Labcorp
Classification: Pathogenic for Leukocyte adhesion deficiency 1. Last evaluated: 2025-08-18. Review status: criteria provided, single submitter. Criteria: Invitae Variant Classification Sherloc (09022015). Collection method: clinical testing. Allele origin: germline.
Comment: This sequence change creates a premature translational stop signal (p.Cys534*) in the ITGB2 gene. It is expected to result in an absent or disrupted protein product. Loss-of-function variants in ITGB2 are known to be pathogenic (PMID: 22134107, 25703682). This variant is present in population databases (no rsID available, gnomAD 0.009%). This premature translational stop signal has been observed in individual(s) with leukocyte adhesion deficiency (PMID: 7901025, 11882363). ClinVar contains an entry for this variant (Variation ID: 265200). For these reasons, this variant has been classified as Pathogenic.

GeneDx
Classification: Pathogenic. Last evaluated: 2015-08-28. Review status: criteria provided, single submitter. Criteria: GeneDx Variant Classification (06012015). Collection method: clinical testing. Allele origin: germline. Affected: yes.
Comment: The C534X variant has been reported previously in association with leukocyte adhesion deficiency (LAD-1) (LÃ³pez-RodrÃ­guez et al., 1993; Roos et al., 1993). This variant is also predicted to cause loss of normal protein function either through protein truncation or nonsense-mediated mRNA decay. In addition, studies of the C534X variant suggest that it decreases mRNA expression (Shaw et al., 2001).

Literature cited by the submitters: PubMed 22134107 (cited by Labcorp Genetics (formerly Invitae), Labcorp); PubMed 25703682 (cited by Labcorp Genetics (formerly Invitae), Labcorp); PubMed 7901025 (cited by Labcorp Genetics (formerly Invitae), Labcorp); PubMed 11882363 (cited by Labcorp Genetics (formerly Invitae), Labcorp).

NM_000211.5(ITGB2):c.1602C>A (p.Cys534Ter)

Gene: ITGB2 (integrin subunit beta 2; minus strand). Cytogenetic location: 21q22.3.
Variant type: single nucleotide variant.
Coding change: c.1602C>A on transcript NM_000211.5 (MANE Select); coding-DNA position 1602, C replaced by A.
Protein change: p.Cys534Ter; replaces cysteine 534 with a stop codon.
Molecular consequence: nonsense.
Genome position (GRCh38, 1-based): chr21:44,890,033, G>T on the plus strand (C>A on the coding strand, the complement: ITGB2 is on the minus strand). VCF-style: chr21-44890033-G-T. GRCh37 (hg19) VCF-style: chr21-46309948-G-T.
Other names: c.1602C>A (LRG_76t1, NM_000211.4); c.1602C>A, p.Cys534Ter (NM_001127491.3); c.1395C>A, p.Cys465Ter (NM_001303238.2); short protein forms C534*, C465*.
Identifiers: ClinVar variation 265200 (VCV000265200.6), dbSNP rs748574145, ClinGen allele CA10588712.